The following is an entry in ClinVar:

ClinVar aggregate classification (germline): Benign. Review status: criteria provided, multiple submitters, no conflicts (2 of 4 stars). 2 submissions from 2 submitters: Benign (2). Last evaluated 2018-11-12.

Allele frequency attached by ClinVar (database versions not stated): 1000 Genomes Project 30x 0.38445; 1000 Genomes Project 0.38578; TOPMed 0.48867; gnomAD 0.50487 and 0.50505; gnomAD exomes 0.66079.

Submissions (2):

GeneDx
Classification: Benign. Last evaluated: 2018-11-12. Review status: criteria provided, single submitter. Criteria: GeneDx Variant Classification Process June 2021. Collection method: clinical testing. Allele origin: germline. Affected: yes.
Comment: This variant is associated with the following publications: (PMID: 16385546)

Breakthrough Genomics
Classification: Benign. Review status: criteria provided, single submitter. Criteria: ACMG Guidelines, 2015. Collection method: not provided. Allele origin: germline. Inheritance: Autosomal recessive inheritance. Affected: yes.

NC_000011.10:g.64590769A>T

Gene: SLC22A12 (solute carrier family 22 member 12; plus strand). Cytogenetic location: 11q13.1.
Variant type: single nucleotide variant.
Genome position: GRCh38 VCF-style: chr11-64590769-A-T. GRCh37 (hg19) VCF-style: chr11-64358241-A-T.
Identifiers: ClinVar variation 1271610 (VCV001271610.3), dbSNP rs11602903, ClinGen allele CA13419455.